The following is an entry in ClinVar:

NM_014727.3(KMT2B):c.3353C>T (p.Pro1118Leu)

Gene: KMT2B (lysine methyltransferase 2B; plus strand). Cytogenetic location: 19q13.12.
Variant type: single nucleotide variant.
Coding change: c.3353C>T on transcript NM_014727.3 (MANE Select); coding-DNA position 3353, C replaced by T.
Protein change: p.Pro1118Leu; replaces proline 1118 with leucine.
Molecular consequence: missense variant.
Genome position (GRCh38, 1-based): chr19:35,724,655, C>T. VCF-style: chr19-35724655-C-T. GRCh37 (hg19) VCF-style: chr19-36215556-C-T.
Other names: c.3353C>T (NM_014727.1); short protein forms P1118L.
Identifiers: ClinVar variation 1381090 (VCV001381090.10), dbSNP rs369558462, ClinGen allele CA9384735.

ClinVar aggregate classification (germline): Uncertain significance. Review status: criteria provided, multiple submitters, no conflicts (2 of 4 stars). 3 submissions from 3 submitters: Uncertain significance (3). Last evaluated 2024-12-11.

Conditions:
Inborn genetic diseases. Identifiers: MedGen C0950123, MeSH D030342.

Allele frequency attached by ClinVar (database versions not stated): gnomAD exomes below 0.00001; gnomAD 0.00001; TOPMed 0.00001; ExAC 0.00002; ESP Exome Variant Server 0.00008.
gnomAD v4.1: 27 of 1,599,872 alleles (0.0017%); highest among the groups gnomAD compares: Non-Finnish European, 0.0022%; no homozygotes.

Submissions (3):

Ambry Genetics
Classification: Uncertain significance for Inborn genetic diseases. Last evaluated: 2024-12-11. Review status: criteria provided, single submitter. Criteria: Ambry Variant Classification Scheme 2023. Collection method: clinical testing. Allele origin: germline.

Labcorp Genetics (formerly Invitae), Labcorp
Classification: Uncertain significance. Last evaluated: 2024-05-29. Review status: criteria provided, single submitter. Criteria: Invitae Variant Classification Sherloc (09022015). Collection method: clinical testing. Allele origin: germline.
Comment: This sequence change replaces proline, which is neutral and non-polar, with leucine, which is neutral and non-polar, at codon 1118 of the KMT2B protein (p.Pro1118Leu). The frequency data for this variant in the population databases is considered unreliable, as metrics indicate poor data quality at this position in the gnomAD database. This variant has not been reported in the literature in individuals affected with KMT2B-related conditions. ClinVar contains an entry for this variant (Variation ID: 1381090). Advanced modeling of protein sequence and biophysical properties (such as structural, functional, and spatial information, amino acid conservation, physicochemical variation, residue mobility, and thermodynamic stability) performed at Invitae indicates that this missense variant is not expected to disrupt KMT2B protein function with a negative predictive value of 80%. In summary, the available evidence is currently insufficient to determine the role of this variant in disease. Therefore, it has been classified as a Variant of Uncertain Significance.

GeneDx
Classification: Uncertain significance. Last evaluated: 2022-02-14. Review status: criteria provided, single submitter. Criteria: GeneDx Variant Classification Process June 2021. Collection method: clinical testing. Allele origin: germline. Affected: yes.
Comment: In silico analysis supports that this missense variant has a deleterious effect on protein structure/function; Has not been previously published as pathogenic or benign to our knowledge